The following is an entry in ClinVar:

ClinVar aggregate classification (germline): Benign. Review status: criteria provided, multiple submitters, no conflicts (2 of 4 stars). 10 submissions from 8 submitters: Benign (8). 2 of the submissions do not count toward it. Last evaluated 2026-02-04.

Conditions:
Autosomal recessive limb-girdle muscular dystrophy type 2K. Also called: MUSCULAR DYSTROPHY-DYSTROGLYCANOPATHY (LIMB-GIRDLE), TYPE C, 1; MUSCULAR DYSTROPHY, LIMB-GIRDLE, TYPE 2K. Identifiers: Orphanet 86812, MedGen C1836373, MONDO:0012248, OMIM 609308.
Muscular dystrophy-dystroglycanopathy (congenital with impaired intellectual development), type B, 1. Also called: Muscular dystrophy-dystroglycanopathy (congenital with intellectual disability), type B1; MUSCULAR DYSTROPHY, CONGENITAL, POMT1-RELATED. Identifiers: MedGen C5436962, MONDO:0013159, OMIM 613155.
Walker-Warburg congenital muscular dystrophy. Also called: Muscular dystrophy-dystroglycanopathy, type A; Walker-Warburg syndrome. Identifiers: Orphanet 899, MedGen C0265221, MONDO:0000171.
Muscular dystrophy-dystroglycanopathy (congenital with brain and eye anomalies), type A1 (MDDGA1). Also called: WALKER-WARBURG SYNDROME OR MUSCLE-EYE-BRAIN DISEASE, POMT1-RELATED; Hydrocephalus, agyria and retinal dysplasia; Hard +/- E syndrome; Warburg syndrome; Chemke syndrome; Pagon syndrome. Identifiers: Orphanet 588, Orphanet 899, MedGen C4284790, MONDO:0009364, OMIM 236670.

Allele frequency attached by ClinVar (database versions not stated): 1000 Genomes Project 30x 0.86680; TOPMed 0.86871; 1000 Genomes Project 0.87061; ESP Exome Variant Server 0.87929; gnomAD 0.88248 and 0.88692; ExAC 0.92301; gnomAD exomes 0.92372.
gnomAD v4.1: 1,516,772 of 1,614,106 alleles (94%); highest among the groups gnomAD compares: South Asian, 97%; 714,950 homozygotes.

Submissions (10):

Labcorp Genetics (formerly Invitae), Labcorp
Classification: Benign for Muscular dystrophy-dystroglycanopathy (congenital with impaired intellectual development), type B, 1; Walker-Warburg congenital muscular dystrophy; Autosomal recessive limb-girdle muscular dystrophy type 2K. Last evaluated: 2026-02-04. Review status: criteria provided, single submitter. Criteria: Invitae Variant Classification Sherloc (09022015). Collection method: clinical testing. Allele origin: germline.

Women's Health and Genetics/Laboratory Corporation of America, LabCorp
Classification: Benign. Last evaluated: 2026-01-22. Review status: criteria provided, single submitter. Criteria: LabCorp Variant Classification Summary - May 2015. Collection method: clinical testing. Allele origin: germline.

Blueprint Genetics
Classification: Benign. Last evaluated: 2024-11-27. Review status: criteria provided, single submitter. Criteria: ACMG Guidelines, 2015. Collection method: clinical testing. Allele origin: germline.

Genome-Nilou Lab
Classification: Benign for Muscular dystrophy-dystroglycanopathy (congenital with brain and eye anomalies), type A1. Last evaluated: 2021-10-25. Review status: criteria provided, single submitter. Criteria: ACMG Guidelines, 2015. Collection method: clinical testing. Allele origin: germline. Affected: no.

Genome-Nilou Lab
Classification: Benign for Muscular dystrophy-dystroglycanopathy (congenital with impaired intellectual development), type B, 1. Last evaluated: 2021-10-25. Review status: criteria provided, single submitter. Criteria: ACMG Guidelines, 2015. Collection method: clinical testing. Allele origin: germline. Affected: no.

Genome-Nilou Lab
Classification: Benign for Autosomal recessive limb-girdle muscular dystrophy type 2K. Last evaluated: 2021-10-25. Review status: criteria provided, single submitter. Criteria: ACMG Guidelines, 2015. Collection method: clinical testing. Allele origin: germline. Affected: no.

Laboratory for Molecular Medicine, Mass General Brigham Personalized Medicine
Classification: Benign. Last evaluated: 2014-12-11. Review status: criteria provided, single submitter. Criteria: LMM Criteria. Collection method: clinical testing. Allele origin: germline. Observed: 14 variant alleles.
Comment: This is a RefSeq error. The reference base (c.752A) is the minor allele. This al lele (A) has been identified in 5% (417/8600) of European American chromosomes a nd 26% (1153/4406) of African American chromosomes by the NHLBI Exome Sequencing Project (dbSNP rs2296949).

Breakthrough Genomics
Classification: Benign. Review status: criteria provided, single submitter. Criteria: ACMG Guidelines, 2015. Collection method: not provided. Allele origin: germline. Inheritance: Autosomal recessive inheritance. Affected: yes.

Clinical Genetics, Academic Medical Center
Classification: Benign. Review status: no assertion criteria provided. Collection method: clinical testing. Allele origin: germline. Affected: yes. Study: VKGL Data-share Consensus. Not counted in ClinVar's aggregate classification.

Diagnostic Laboratory, Department of Genetics, University Medical Center Groningen
Classification: Benign. Review status: no assertion criteria provided. Collection method: clinical testing. Allele origin: germline. Affected: yes. Study: VKGL Data-share Consensus. Not counted in ClinVar's aggregate classification.

NM_001077365.2(POMT1):c.699+53A>G

Gene: POMT1 (protein O-mannosyltransferase 1; plus strand). Cytogenetic location: 9q34.13.
Variant type: single nucleotide variant.
Coding change: c.699+53A>G on transcript NM_001077365.2 (MANE Select); 53 bases into the intron after coding-DNA position 699, A replaced by G.
Molecular consequence: intron variant. On other transcripts: missense variant (7), non-coding transcript variant (1).
Genome position (GRCh38, 1-based): chr9:131,510,049, A>G. VCF-style: chr9-131510049-A-G. GRCh37 (hg19) VCF-style: chr9-134385436-A-G.
Other names: c.752A>G, p.Gln251Arg (NM_001353193.2, NM_007171.4); c.590A>G, p.Gln197Arg (NM_001353197.2, NM_001353198.2, NM_001374689.1); c.401A>G, p.Gln134Arg (NM_001353199.2); c.296A>G, p.Gln99Arg (NM_001374695.1); c.699+53A>G (NM_001136113.2, NM_001374690.1); c.537+53A>G (NM_001353194.2, NM_001077366.2, NM_001374693.1); c.348+53A>G (NM_001374691.1, NM_001353195.2, NM_001374692.1 and 1 more transcripts); c.609+53A>G (NM_001353196.2); and 1 more; short protein forms Q134R, Q197R, Q251R, Q99R.
Identifiers: ClinVar variation 227021 (VCV000227021.22), dbSNP rs2296949, ClinGen allele CA5293383.